The following is an entry in ClinVar:

NM_133510.4(RAD51B):c.316-45_316del

Gene: RAD51B (RAD51 paralog B; plus strand). Cytogenetic location: 14q24.1.
Variant type: Deletion.
Coding change: c.316-45_316del on transcript NM_133510.4 (MANE Select); 45 bases into the intron before coding-DNA position 316 through coding-DNA position 316, 46 bases deleted.
Molecular consequence: splice acceptor variant.
Genome position (GRCh38, 1-based): chr14:67,864,958-67,865,003, 46 bases deleted; deleting any 46 consecutive bases within chr14:67,864,957-67,865,003 gives the same sequence; the c. name uses the placement nearest the transcript's 3' end. GRCh37 (hg19): chr14:68,331,675-68,331,720.
Other names: c.316-45_316del (NM_001321818.2, NM_001321809.2, NM_001321821.2 and 6 more transcripts); c.-42-45_-42del (NM_001321817.2); c.202-45_202del (NM_001321815.1).
Identifiers: ClinVar variation 4149810 (VCV004149810.1).

ClinVar aggregate classification (germline): Uncertain significance (1 of 4 stars; one submission).

Submission:

Ambry Genetics
Classification: Uncertain significance. Last evaluated: 2025-07-17. Review status: criteria provided, single submitter. Criteria: Ambry Variant Classification Scheme 2023. Collection method: clinical testing. Allele origin: germline.
Comment: The c.316-45_316del46 variant results from a deletion of 46 nucleotides between positions c.316-45 and c.316 and involves the canonical splice acceptor site before coding exon 4 of the RAD51B gene. The canonical splice acceptor site is not well conserved in available vertebrate species. In silico splice site analysis predicts that this alteration will weaken the native splice acceptor site; however, the exact impact of this deletion on RAD51B splicing and function is currently unknown. The evidence for this gene-disease relationship is limited; therefore, the clinical significance of this alteration is unclear.